The following is an entry in ClinVar:

NM_000784.4(CYP27A1):c.713_716dup (p.Phe240fs)

Gene: CYP27A1 (cytochrome P450 family 27 subfamily A member 1; plus strand). Cytogenetic location: 2q35.
Variant type: Duplication.
Coding change: c.713_716dup on transcript NM_000784.4 (MANE Select); coding-DNA positions 713 to 716, 4 bases duplicated (TGAC; older notation c.713_716dupTGAC).
Protein change: p.Phe240fs; shifts the reading frame from phenylalanine 240.
Molecular consequence: frameshift variant.
Genome position (GRCh38, 1-based): chr2:218,812,618-218,812,621, TGAC duplicated. VCF-style (leftmost placement, unchanged base first): chr2-218812617-G-GTGAC. GRCh37 (hg19) VCF-style: chr2-219677340-G-GTGAC.
Other names: short protein forms F240fs.
Identifiers: ClinVar variation 3725966 (VCV003725966.2).

ClinVar aggregate classification (germline): Pathogenic (1 of 4 stars; one submission).

Conditions:
Cholestanol storage disease (CTX). Also called: Cerebrotendinous Xanthomatosis; CEREBRAL CHOLESTERINOSIS; CTX: Cerebrotendinous xanthomatosis. Identifiers: Orphanet 909, MedGen C0238052, MONDO:0008948, OMIM 213700.

Submission:

Labcorp Genetics (formerly Invitae), Labcorp
Classification: Pathogenic for Cholestanol storage disease. Last evaluated: 2024-11-24. Review status: criteria provided, single submitter. Criteria: Invitae Variant Classification Sherloc (09022015). Collection method: clinical testing. Allele origin: germline.
Comment: This sequence change creates a premature translational stop signal (p.Phe240Aspfs*49) in the CYP27A1 gene. It is expected to result in an absent or disrupted protein product. Loss-of-function variants in CYP27A1 are known to be pathogenic (PMID: 9392430, 10775536, 26937392). This variant is not present in population databases (gnomAD no frequency). This variant has not been reported in the literature in individuals affected with CYP27A1-related conditions. For these reasons, this variant has been classified as Pathogenic.

Literature cited by the submitters: PubMed 9392430; PubMed 10775536; PubMed 26937392.